The following is an entry in ClinVar:

NM_001367624.2(ZNF469):c.7465C>T (p.Arg2489Trp)

Gene: ZNF469 (zinc finger protein 469; plus strand). Cytogenetic location: 16q24.2.
Variant type: single nucleotide variant.
Coding change: c.7465C>T on transcript NM_001367624.2 (MANE Select); coding-DNA position 7465, C replaced by T.
Protein change: p.Arg2489Trp; replaces arginine 2489 with tryptophan.
Molecular consequence: missense variant.
Genome position (GRCh38, 1-based): chr16:88,434,935, C>T. VCF-style: chr16-88434935-C-T. GRCh37 (hg19) VCF-style: chr16-88501343-C-T.
Other names: NM_001127464.1:c.7381C>T; NM_001127464.2:c.7381C>T; short protein forms R2489W.
Identifiers: ClinVar variation 1320606 (VCV001320606.5), dbSNP rs1307661053, ClinGen allele CA397110350.

ClinVar aggregate classification (germline): Uncertain significance. Review status: criteria provided, multiple submitters, no conflicts (2 of 4 stars). 4 submissions from 4 submitters: Uncertain significance (4). Last evaluated 2025-06-27.

Conditions:
ZNF469-related disorder. Also called: ZNF469-related condition.
Cardiovascular phenotype. Identifiers: MedGen CN230736.

Allele frequency attached by ClinVar (database versions not stated): gnomAD exomes 0.00002; TOPMed 0.00002.
gnomAD v4.1: 26 of 1,550,104 alleles (0.0017%); highest among the groups gnomAD compares: Middle Eastern, 0.033%; no homozygotes.

Submissions (4):

PreventionGenetics, part of Exact Sciences
Classification: Uncertain significance for ZNF469-related condition. Last evaluated: 2025-06-27. Review status: criteria provided, single submitter. Criteria: ACMG Guidelines, 2015. Collection method: clinical testing. Allele origin: germline.
Comment: The ZNF469 c.7381C>T variant is predicted to result in the amino acid substitution p.Arg2461Trp. To our knowledge, this variant has not been reported in the literature or population database gnomAD, indicating that this variant is rare. At this time, the clinical significance of this variant is uncertain due to the absence of conclusive functional and genetic evidence.

Ambry Genetics
Classification: Uncertain significance for Cardiovascular phenotype. Last evaluated: 2025-05-08. Review status: criteria provided, single submitter. Criteria: Ambry Variant Classification Scheme 2023. Collection method: clinical testing. Allele origin: germline.
Comment: The p.R2461W variant (also known as c.7381C>T), located in coding exon 2 of the ZNF469 gene, results from a C to T substitution at nucleotide position 7381. The arginine at codon 2461 is replaced by tryptophan, an amino acid with dissimilar properties. This amino acid position is highly conserved in available vertebrate species. In addition, this alteration is predicted to be tolerated by in silico analysis. Based on the available evidence, the clinical significance of this variant remains unclear.

Labcorp Genetics (formerly Invitae), Labcorp
Classification: Uncertain significance. Last evaluated: 2022-07-04. Review status: criteria provided, single submitter. Criteria: Invitae Variant Classification Sherloc (09022015). Collection method: clinical testing. Allele origin: germline.
Comment: This sequence change replaces arginine, which is basic and polar, with tryptophan, which is neutral and slightly polar, at codon 2461 of the ZNF469 protein (p.Arg2461Trp). This variant is not present in population databases (gnomAD no frequency). This variant has not been reported in the literature in individuals affected with ZNF469-related conditions. ClinVar contains an entry for this variant (Variation ID: 1320606). Algorithms developed to predict the effect of missense changes on protein structure and function are either unavailable or do not agree on the potential impact of this missense change (SIFT: "Deleterious"; PolyPhen-2: "Probably Damaging"; Align-GVGD: "Class C0"). In summary, the available evidence is currently insufficient to determine the role of this variant in disease. Therefore, it has been classified as a Variant of Uncertain Significance.

GeneDx
Classification: Uncertain significance. Last evaluated: 2021-10-21. Review status: criteria provided, single submitter. Criteria: GeneDx Variant Classification Process June 2021. Collection method: clinical testing. Allele origin: germline. Affected: yes.
Comment: Has not been previously published in association with EDS to our knowledge; In silico analysis supports that this missense variant has a deleterious effect on protein structure/function; This variant is associated with the following publications: (PMID: 27888582)